The following is an entry in ClinVar:

ClinVar aggregate classification (germline): Uncertain significance (1 of 4 stars; one submission).

gnomAD v4.1: 12 of 1,614,070 alleles (0.00074%); highest among the groups gnomAD compares: Admixed American, 0.0017%; no homozygotes.

Submission:

Labcorp Genetics (formerly Invitae), Labcorp
Classification: Uncertain significance. Last evaluated: 2022-05-31. Review status: criteria provided, single submitter. Criteria: Invitae Variant Classification Sherloc (09022015). Collection method: clinical testing. Allele origin: germline.
Comment: In summary, the available evidence is currently insufficient to determine the role of this variant in disease. Therefore, it has been classified as a Variant of Uncertain Significance. Algorithms developed to predict the effect of sequence changes on RNA splicing suggest that this variant may create or strengthen a splice site. Algorithms developed to predict the effect of missense changes on protein structure and function (SIFT, PolyPhen-2, Align-GVGD) all suggest that this variant is likely to be tolerated. ClinVar contains an entry for this variant (Variation ID: 1358431). This variant has not been reported in the literature in individuals affected with TBCK-related conditions. This variant is present in population databases (rs755840392, gnomAD 0.02%). This sequence change replaces lysine, which is basic and polar, with arginine, which is basic and polar, at codon 37 of the TBCK protein (p.Lys37Arg).

NM_001163435.3(TBCK):c.110A>G (p.Lys37Arg)

Gene: TBCK (TBC1 domain containing kinase; minus strand). Cytogenetic location: 4q24.
Variant type: single nucleotide variant.
Coding change: c.110A>G on transcript NM_001163435.3 (MANE Select); coding-DNA position 110, A replaced by G.
Protein change: p.Lys37Arg; replaces lysine 37 with arginine.
Molecular consequence: missense variant. On other transcripts: 5 prime UTR variant (1).
Genome position (GRCh38, 1-based): chr4:106,308,851, T>C on the plus strand (A>G on the coding strand, the complement: TBCK is on the minus strand). VCF-style: chr4-106308851-T-C. GRCh37 (hg19) VCF-style: chr4-107230008-T-C.
Other names: c.110A>G, p.Lys37Arg (NM_001163436.4, NM_001163437.3, NM_033115.5); c.-508A>G (NM_001290768.2); short protein forms K37R.
Identifiers: ClinVar variation 1358431 (VCV001358431.7), dbSNP rs755840392, ClinGen allele CA3035542.